The following is an entry in ClinVar:

NM_022455.5(NSD1):c.6421del (p.Val2141fs)

Gene: NSD1 (nuclear receptor binding SET domain protein 1; plus strand). Cytogenetic location: 5q35.3.
Variant type: Deletion.
Coding change: c.6421del on transcript NM_022455.5 (MANE Select); coding-DNA position 6421, one base deleted (G; older notation c.6421delG).
Protein change: p.Val2141fs; shifts the reading frame from valine 2141.
Molecular consequence: frameshift variant.
Genome position (GRCh38, 1-based): chr5:177,292,116, G deleted. VCF-style (leftmost placement, unchanged base first): chr5-177292115-AG-A. GRCh37 (hg19) VCF-style: chr5-176719116-AG-A.
Other names: c.6421delG, p.Val2141Phefs (NM_001409302.1, NM_001409303.1, NM_001409301.1); c.6001delG, p.Val2001Phefs (NM_001409304.1); c.5668delG, p.Val1890Phefs (NM_001409305.1); c.5659delG, p.Val1887Phefs (NM_001409306.1, NM_001409307.1); c.5548delG, p.Val1850Phefs (NM_001409308.1, NM_172349.5, NM_001365684.2); c.5299delG, p.Val1767Phefs (NM_001409309.1); short protein forms V1872fs.
Identifiers: ClinVar variation 159419 (VCV000159419.12), dbSNP rs587784197, ClinGen allele CA295075.

ClinVar aggregate classification (germline): Pathogenic/Likely pathogenic. Review status: criteria provided, multiple submitters, no conflicts (2 of 4 stars). 4 submissions from 4 submitters: Pathogenic (3); Likely pathogenic (1). Last evaluated 2023-05-11.

Conditions:
Sotos syndrome (SOTOS). Also called: Distinctive facial appearance, overgrowth in childhood, and learning disabilities or delayed development; CEREBRAL GIGANTISM; Sotos' syndrome; CHROMOSOME 5q35 DELETION SYNDROME; SOTOS SYNDROME 1. Identifiers: Orphanet 821, MedGen C0175695, MONDO:0019349, OMIM 117550.

Submissions (4):

Women's Health and Genetics/Laboratory Corporation of America, LabCorp
Classification: Pathogenic for Sotos syndrome. Last evaluated: 2023-05-11. Review status: criteria provided, single submitter. Criteria: LabCorp Variant Classification Summary - May 2015. Collection method: clinical testing. Allele origin: germline.
Comment: Variant summary: NSD1 c.6421delG (p.Val2141PhefsX9) results in a premature termination codon that is not expected to cause nonsense mediated decay (NMD), but is predicted to cause a truncation of the encoded protein, removing a large part of the 2696 amino acid long protein (InterPro). Several variants downstream of this position have been classified as pathogenic in ClinVar and been reported in association with Sotos Syndrome in HGMD. The variant was absent in 251456 control chromosomes (gnomAD). To our knowledge, no occurrence of c.6421delG in individuals affected with Sotos Syndrome 1 and no experimental evidence demonstrating its impact on protein function have been reported. Two clinical diagnostic laboratories have submitted clinical-significance assessments for this variant to ClinVar after 2014 without evidence for independent evaluation. All laboratories classified the variant as pathogenic (n=1) or likely pathogenic (n=1). Based on the evidence outlined above, the variant was classified as pathogenic.

GeneDx
Classification: Likely pathogenic. Last evaluated: 2021-07-29. Review status: criteria provided, single submitter. Criteria: GeneDx Variant Classification Process June 2021. Collection method: clinical testing. Allele origin: germline. Affected: yes.
Comment: Frameshift variant predicted to result in protein truncation, as the last 556 amino acids are replaced with 8 different amino acids, and other loss-of-function variants have been reported downstream in the Human Gene Mutation Database (Stenson et al., 2014); Not observed at significant frequency in large population cohorts (Lek et al., 2016); Has not been previously published as pathogenic or benign to our knowledge

Genome-Nilou Lab
Classification: Pathogenic for Sotos syndrome. Last evaluated: 2021-07-15. Review status: criteria provided, single submitter. Criteria: ACMG Guidelines, 2015. Collection method: clinical testing. Allele origin: germline. Affected: no.

Genetic Services Laboratory, University of Chicago
Classification: Pathogenic for Sotos syndrome 1. Last evaluated: 2013-02-08. Review status: criteria provided, single submitter. Criteria: ACMG Guidelines, 2007. Collection method: clinical testing. Allele origin: germline. Inheritance: Autosomal dominant inheritance. Affected: yes.